The following is an entry in ClinVar:

NM_001393504.1(MAST3):c.589G>A (p.Glu197Lys)

Gene: MAST3 (microtubule associated serine/threonine kinase 3; plus strand). Cytogenetic location: 19p13.11.
Variant type: single nucleotide variant.
Coding change: c.589G>A on transcript NM_001393504.1 (MANE Select); coding-DNA position 589, G replaced by A.
Protein change: p.Glu197Lys; replaces glutamic acid 197 with lysine.
Molecular consequence: missense variant.
Genome position (GRCh38, 1-based): chr19:18,123,611, G>A. VCF-style: chr19-18123611-G-A. GRCh37 (hg19) VCF-style: chr19-18234421-G-A.
Other names: c.613G>A, p.Glu205Lys (NM_001393501.1); c.592G>A, p.Glu198Lys (NM_001393502.1); c.589G>A, p.Glu197Lys (NM_001393503.1); c.586G>A, p.Glu196Lys (NM_001393505.1); c.541G>A, p.Glu181Lys (NM_001393506.1, NM_001393513.1); c.568G>A, p.Glu190Lys (NM_001393507.1); c.523G>A, p.Glu175Lys (NM_001393508.1, NM_001393516.1); c.520G>A, p.Glu174Lys (NM_001393509.1, NM_001393510.1, NM_001393512.1 and 2 more transcripts); and 4 more; short protein forms E159K, E167K, E168K, E173K, E174K, E175K, E181K, E190K.
Identifiers: ClinVar variation 3776624 (VCV003776624.1).
Genomic context (GRCh38, chr19:18,123,611, plus strand): 5'-ATATCACAAGCCAGCTGTCTTCCTTTCAGCCCGGGCCGTGCAACGGGGACCTTCGACAAT[G>A]AGATTGTCATGATGAATCACGTGTACCGGGAGAGGTTCCCCAAGGTGGGCAGCGCCTGGC-3'
Protein context (NP_001380433.1, residues 187-207): PGRATGTFDN[Glu197Lys]IVMMNHVYRE

ClinVar aggregate classification (germline): Uncertain significance (1 of 4 stars; one submission).

Submission:

GeneDx
Classification: Uncertain significance. Last evaluated: 2024-10-02. Review status: criteria provided, single submitter. Criteria: GeneDx Variant Classification Process June 2021. Collection method: clinical testing. Allele origin: germline. Affected: yes.
Comment: Not observed at significant frequency in large population cohorts (gnomAD); In silico analysis supports that this missense variant has a deleterious effect on protein structure/function; Has not been previously published as pathogenic or benign to our knowledge